The following is an entry in ClinVar:

ClinVar aggregate classification (germline): Conflicting classifications of pathogenicity. Review status: criteria provided, conflicting classifications (1 of 4 stars). 5 submissions from 1 submitter: Uncertain significance (3); Benign (2). Last evaluated 2018-01-13.

Conditions:
Dilated cardiomyopathy 1G (CMD1G). Identifiers: Orphanet 154, MedGen C1858763, MONDO:0011400, OMIM 604145.
Early-onset myopathy with fatal cardiomyopathy (CMYO5). Also called: CONGENITAL MYOPATHY 5 WITH CARDIOMYOPATHY; Salih Myopathy. Identifiers: Orphanet 289377, MedGen C2673677, MONDO:0012714, OMIM 611705. Disease mechanism: loss of function.
Myopathy, myofibrillar, 9, with early respiratory failure (MFM9). Also called: Myopathy, distal, with early respiratory failure, autosomal dominant; Hereditary myopathy with early respiratory failure; EDSTROM MYOPATHY; MYOPATHY, PROXIMAL, WITH EARLY RESPIRATORY MUSCLE INVOLVEMENT. Identifiers: Orphanet 178464, Orphanet 34521, MedGen C1863599, MONDO:0011362, OMIM 603689.
Autosomal recessive limb-girdle muscular dystrophy type 2J (LGMDR10). Also called: MUSCULAR DYSTROPHY, LIMB-GIRDLE, AUTOSOMAL RECESSIVE 10; Limb-girdle muscular dystrophy, type 2J. Identifiers: Orphanet 140922, MedGen C1837342, MONDO:0012127, OMIM 608807.
Tibial muscular dystrophy (TMD). Also called: Udd Distal Myopathy – Tibial Muscular Dystrophy; UDD MYOPATHY; Tibial muscular dystrophy, tardive. Identifiers: Orphanet 609, MedGen C1838244, MONDO:0010870, OMIM 600334.

Allele frequency attached by ClinVar (database versions not stated): gnomAD 0.00001; gnomAD exomes 0.00003 and 0.00008; ExAC 0.00007.
gnomAD v4.1: 42 of 1,613,844 alleles (0.0026%); highest among the groups gnomAD compares: South Asian, 0.043%; no homozygotes.

Submissions (5):

Illumina Laboratory Services, Illumina
Classification: Uncertain significance for Autosomal recessive limb-girdle muscular dystrophy type 2J. Last evaluated: 2018-01-13. Review status: criteria provided, single submitter. Criteria: ICSL Variant Classification Criteria 13 December 2019. Collection method: clinical testing. Allele origin: germline.

Illumina Laboratory Services, Illumina
Classification: Uncertain significance for Early-onset myopathy with fatal cardiomyopathy. Last evaluated: 2018-01-13. Review status: criteria provided, single submitter. Criteria: ICSL Variant Classification Criteria 13 December 2019. Collection method: clinical testing. Allele origin: germline.

Illumina Laboratory Services, Illumina
Classification: Uncertain significance for Dilated cardiomyopathy 1G. Last evaluated: 2018-01-13. Review status: criteria provided, single submitter. Criteria: ICSL Variant Classification Criteria 13 December 2019. Collection method: clinical testing. Allele origin: germline.

Illumina Laboratory Services, Illumina
Classification: Benign for Tibial muscular dystrophy. Last evaluated: 2018-01-13. Review status: criteria provided, single submitter. Criteria: ICSL Variant Classification Criteria 13 December 2019. Collection method: clinical testing. Allele origin: germline.
Comment: This variant was observed in the ICSL laboratory as part of a predisposition screen in an ostensibly healthy population. It had not been previously curated by ICSL or reported in the Human Gene Mutation Database (HGMD: prior to June 1st, 2018), and was therefore a candidate for classification through an automated scoring system. Utilizing variant allele frequency, disease prevalence and penetrance estimates, and inheritance mode, an automated score was calculated to assess if this variant is too frequent to cause the disease. Based on the score and internal cut-off values, a variant classified as benign is not then subjected to further curation. The score for this variant resulted in a classification of benign for this disease.

Illumina Laboratory Services, Illumina
Classification: Benign for Myopathy, myofibrillar, 9, with early respiratory failure. Last evaluated: 2018-01-13. Review status: criteria provided, single submitter. Criteria: ICSL Variant Classification Criteria 13 December 2019. Collection method: clinical testing. Allele origin: germline.
Comment: the same text as in the submission from Illumina Laboratory Services, Illumina above.

NM_001267550.2(TTN):c.3522A>C (p.Glu1174Asp)

Gene: TTN (titin; minus strand). Cytogenetic location: 2q31.2.
Variant type: single nucleotide variant.
Coding change: c.3522A>C on transcript NM_001267550.2 (MANE Select); coding-DNA position 3522, A replaced by C.
Protein change: p.Glu1174Asp; replaces glutamic acid 1174 with aspartic acid.
Molecular consequence: missense variant.
Genome position (GRCh38, 1-based): chr2:178,781,122, T>G on the plus strand (A>C on the coding strand, the complement: TTN is on the minus strand). VCF-style: chr2-178781122-T-G. GRCh37 (hg19) VCF-style: chr2-179645849-T-G.
Other names: c.3522A>C, p.Glu1174Asp (NM_133378.4, NM_001256850.1, NM_133379.5); c.3384A>C, p.Glu1128Asp (NM_003319.4, NM_133432.3, NM_133437.4); short protein forms E1174D, E1128D.
Identifiers: ClinVar variation 332959 (VCV000332959.5), dbSNP rs545280886, ClinGen allele CA2005539.
Genomic context (GRCh38, chr2:178,781,122, plus strand): 5'-CTGCTATCTCCTTGTATTTCAGTTCTTATCATGCACATAGAAACTGGAGTTGCACTTACC[T>G]TCTTCAAGCAAGGAAGCAGATGCAGAAGTTTCTCCATGCTTATTGCGAACAACAATAGTG-3'
Protein context (NP_001254479.2, residues 1164-1184): ETSASASLLE[Glu1174Asp]ADYELLMKSQ